The following is an entry in ClinVar:

NM_173467.5(MCAT):c.189C>G (p.Ser63=)

Genes: MCAT (malonyl-CoA-acyl carrier protein transacylase; minus strand), LOC130067629 (ATAC-STARR-seq lymphoblastoid silent region 13855; plus strand). Cytogenetic location: 22q13.2.
Variant type: single nucleotide variant.
Coding change: c.189C>G on transcript NM_173467.5 (MANE Select); coding-DNA position 189, C replaced by G.
Protein change: p.Ser63=; no amino-acid change (serine 63 retained).
Molecular consequence: synonymous variant. On other transcripts: non-coding transcript variant (1).
Genome position (GRCh38, 1-based): chr22:43,143,160, G>C on the plus strand (C>G on the coding strand, the complement: MCAT is on the minus strand). VCF-style: chr22-43143160-G-C. GRCh37 (hg19) VCF-style: chr22-43539166-G-C.
Other names: c.189C>G (NM_173467.4); c.189C>G, p.Ser63= (NM_014507.3).
Identifiers: ClinVar variation 4681322 (VCV004681322.6).

ClinVar aggregate classification (germline): Likely benign. Review status: criteria provided, multiple submitters, no conflicts (2 of 4 stars). 2 submissions from 2 submitters: Likely benign (2). Last evaluated 2025-12-01.

Conditions:
MCAT-related condition.

gnomAD v4.1: 4,656 of 1,576,242 alleles (0.3%); highest among the groups gnomAD compares: Non-Finnish European, 0.37%; 12 homozygotes.

Submissions (2):

CeGaT Center for Human Genetics Tuebingen
Classification: Likely benign. Last evaluated: 2025-12-01. Review status: criteria provided, single submitter. Criteria: CeGaT Center For Human Genetics Tuebingen Variant Classification Criteria Version 2. Collection method: clinical testing. Allele origin: germline. Affected: yes. Observed: 1 variant allele.
Comment: MCAT: BP4, BP7, BS2

PreventionGenetics, part of Exact Sciences
Classification: Likely benign for MCAT-related condition. Last evaluated: 2024-11-27. Review status: criteria provided, single submitter. Criteria: ACMG Guidelines, 2015. Collection method: clinical testing. Allele origin: germline.
Comment: This variant is classified as likely benign based on ACMG/AMP sequence variant interpretation guidelines (Richards et al. 2015 PMID: 25741868, with internal and published modifications).